The following is an entry in ClinVar:

NM_201384.3(PLEC):c.13401C>T (p.Ala4467=)

Gene: PLEC (plectin; minus strand). Cytogenetic location: 8q24.3.
Variant type: single nucleotide variant.
Coding change: c.13401C>T on transcript NM_201384.3 (MANE Select); coding-DNA position 13401, C replaced by T.
Protein change: p.Ala4467=; no amino-acid change (alanine 4467 retained).
Molecular consequence: synonymous variant.
Genome position (GRCh38, 1-based): chr8:143,916,420, G>A on the plus strand (C>T on the coding strand, the complement: PLEC is on the minus strand). VCF-style: chr8-143916420-G-A. GRCh37 (hg19) VCF-style: chr8-144990588-G-A.
Other names: c.13482C>T, p.Ala4494= (NM_000445.5); c.13359C>T, p.Ala4453= (NM_201378.4); c.13335C>T, p.Ala4445= (NM_201379.3); c.13812C>T, p.Ala4604= (NM_201380.4); c.13305C>T, p.Ala4435= (NM_201381.3); c.13401C>T, p.Ala4467= (NM_201382.4); c.13413C>T, p.Ala4471= (NM_201383.3).
Identifiers: ClinVar variation 497193 (VCV000497193.17), dbSNP rs782114678, ClinGen allele CA4923817.
Genomic context (GRCh38, chr8:143,916,420, plus strand): 5'-AGCGGTAGAGCCGGAGCCGCTGACGCTGTAGGGGCTGTAGTAGCCCTTGGTGGACTGCGC[G>A]GCAGCCTCCAGCAGCCGCAGCCCCGTGCCCTCCTCCACCATGCTGCGGTCCAGCGCGTCC-3'
Protein context (NP_958786.1, residues 4457-4477): EGTGLRLLEA[Ala4467=]AQSTKGYYSP

ClinVar aggregate classification (germline): Conflicting classifications of pathogenicity. Review status: criteria provided, conflicting classifications (1 of 4 stars). 4 submissions from 4 submitters: Uncertain significance (1); Likely benign (2). 1 of the submissions does not count toward it. Last evaluated 2024-08-28.

Conditions:
PLEC-related disorder. Also called: PLEC-related disorders; PLEC-related condition.
Autosomal recessive limb-girdle muscular dystrophy type 2Q (LGMDR17). Also called: MUSCULAR DYSTROPHY, LIMB-GIRDLE, AUTOSOMAL RECESSIVE 17. Identifiers: Orphanet 254361, MedGen C3150989, MONDO:0013390, OMIM 613723.
Epidermolysis bullosa simplex with nail dystrophy (EBS5D). Identifiers: MedGen C4225309, MONDO:0014661, OMIM 616487.
Epidermolysis bullosa simplex 5B, with muscular dystrophy (EBS5B). Also called: EPIDERMOLYSIS BULLOSA SIMPLEX AND LIMB-GIRDLE MUSCULAR DYSTROPHY; Epidermolysis bullosa simplex with muscular dystrophy. Identifiers: Orphanet 257, MedGen C2931072, MONDO:0009181, OMIM 226670.
Epidermolysis bullosa simplex, Ogna type (EBS5A). Also called: EPIDERMOLYSIS BULLOSA SIMPLEX 5A, OGNA TYPE; Pidermolysis bullosa simplex 5A, Ogna type. Identifiers: Orphanet 79401, MedGen C0432317, MONDO:0007555, OMIM 131950.
Epidermolysis bullosa simplex 5C, with pyloric atresia (EBS5C). Also called: PLEC-Related Epidermolysis Bullosa with Pyloric Atresia; PLEC1-Related Epidermolysis Bullosa with Pyloric Atresia; Epidermolysis bullosa simplex with pyloric atresia. Identifiers: Orphanet 158684, MedGen C2677349, MONDO:0012807, OMIM 612138.

Allele frequency attached by ClinVar (database versions not stated): ExAC 0.00004; gnomAD exomes 0.00005; TOPMed 0.00005; gnomAD 0.00006.
gnomAD v4.1: 145 of 1,611,488 alleles (0.009%); highest among the groups gnomAD compares: Non-Finnish European, 0.011%; no homozygotes.

Submissions (4):

Labcorp Genetics (formerly Invitae), Labcorp
Classification: Likely benign for Autosomal recessive limb-girdle muscular dystrophy type 2Q; Epidermolysis bullosa simplex, Ogna type; Epidermolysis bullosa simplex with nail dystrophy; Epidermolysis bullosa simplex 5C, with pyloric atresia; Epidermolysis bullosa simplex 5B, with muscular dystrophy. Last evaluated: 2024-08-28. Review status: criteria provided, single submitter. Criteria: Invitae Variant Classification Sherloc (09022015). Collection method: clinical testing. Allele origin: germline.

GeneDx
Classification: Likely benign. Last evaluated: 2017-09-08. Review status: criteria provided, single submitter. Criteria: GeneDx Variant Classification (06012015). Collection method: clinical testing. Allele origin: germline. Affected: yes.
Comment: This variant is considered likely benign or benign based on one or more of the following criteria: it is a conservative change, it occurs at a poorly conserved position in the protein, it is predicted to be benign by multiple in silico algorithms, and/or has population frequency not consistent with disease.

Eurofins Ntd Llc (ga)
Classification: Uncertain significance. Last evaluated: 2016-11-15. Review status: criteria provided, single submitter. Criteria: EGL Classification Definitions 2015. Collection method: clinical testing. Allele origin: germline. Observed: 2 variant alleles, 2 heterozygotes.

PreventionGenetics, part of Exact Sciences
Classification: Likely benign for PLEC-related condition. Last evaluated: 2019-06-14. Review status: no assertion criteria provided. Collection method: clinical testing. Allele origin: germline. Not counted in ClinVar's aggregate classification.
Comment: This variant is classified as likely benign based on ACMG/AMP sequence variant interpretation guidelines (Richards et al. 2015 PMID: 25741868, with internal and published modifications).